The following is an entry in ClinVar:

NM_024675.4(PALB2):c.2988A>G (p.Glu996=)

Gene: PALB2 (partner and localizer of BRCA2; minus strand). Cytogenetic location: 16p12.2.
Variant type: single nucleotide variant.
Coding change: c.2988A>G on transcript NM_024675.4 (MANE Select); coding-DNA position 2988, A replaced by G.
Protein change: p.Glu996=; no amino-acid change (glutamic acid 996 retained).
Molecular consequence: synonymous variant. On other transcripts: intron variant (1).
Genome position (GRCh38, 1-based): chr16:23,622,977, T>C on the plus strand (A>G on the coding strand, the complement: PALB2 is on the minus strand). VCF-style: chr16-23622977-T-C. GRCh37 (hg19) VCF-style: chr16-23634298-T-C.
Other names: c.2103A>G, p.Glu701= (NM_001407304.1, NM_001407305.1, NM_001407306.1 and 4 more transcripts); c.1941A>G, p.Glu647= (NM_001407307.1); c.1200A>G, p.Glu400= (NM_001407312.1, NM_001407313.1); c.522A>G, p.Glu174= (NM_001407314.1); c.2834+1032A>G (NM_001407300.1); c.2928A>G, p.Glu976= (NM_001407296.1); c.2916A>G, p.Glu972= (NM_001407297.1); c.2826A>G, p.Glu942= (NM_001407298.1, NM_001407302.1); and 1 more.
Identifiers: ClinVar variation 3903895 (VCV003903895.1).

ClinVar aggregate classification (germline): Benign (1 of 4 stars; one submission).

Conditions:
Familial cancer of breast. Also called: Hereditary breast cancer; hereditary breast carcinoma; BREAST CANCER, FAMILIAL. Identifiers: Orphanet 227535, MedGen C0346153, MONDO:0016419, OMIM 114480. Disease mechanism: loss of function.

Submission:

Myriad Genetics, Inc.
Classification: Benign for Familial cancer of breast. Last evaluated: 2025-01-21. Review status: criteria provided, single submitter. Criteria: Myriad Autosomal Dominant, Autosomal Recessive and X-Linked Classification Criteria (2023). Collection method: clinical testing. Allele origin: unknown.
Comment: This variant is considered benign. This variant is a silent/synonymous amino acid change and it is not expected to impact splicing.